The following is an entry in ClinVar:

NM_001322934.2(NFKB2):c.143A>C (p.Gln48Pro)

Gene: NFKB2 (nuclear factor kappa B subunit 2; plus strand). Cytogenetic location: 10q24.32.
Variant type: single nucleotide variant.
Coding change: c.143A>C on transcript NM_001322934.2 (MANE Select); coding-DNA position 143, A replaced by C.
Protein change: p.Gln48Pro; replaces glutamine 48 with proline.
Molecular consequence: missense variant.
Genome position (GRCh38, 1-based): chr10:102,396,488, A>C. VCF-style: chr10-102396488-A-C. GRCh37 (hg19) VCF-style: chr10-104156245-A-C.
Other names: c.143A>C, p.Gln48Pro (NM_001077494.3, NM_001261403.3, NM_001288724.1 and 2 more transcripts); c.143A>C (NM_001077494.1); short protein forms Q48P.
Identifiers: ClinVar variation 1481885 (VCV001481885.9), dbSNP rs755916743, ClinGen allele CA5664462.
Genomic context (GRCh38, chr10:102,396,488, plus strand): 5'-GCAAGGTCTCTCTGTCCCCAGCTGATGGCCCCTACCTGGTGATCGTGGAACAGCCTAAGC[A>C]GGTGAGTGAGCAAAAGGGAGGGTGTGGAATGGCTTCAGCTTTGGGGACAAATGGGGTAGT-3'
Protein context (NP_001309863.1, residues 38-58): PYLVIVEQPK[Gln48Pro]RGFRFRYGCE

ClinVar aggregate classification (germline): Uncertain significance. Review status: criteria provided, multiple submitters, no conflicts (2 of 4 stars). 2 submissions from 2 submitters: Uncertain significance (2). Last evaluated 2024-06-05.

Conditions:
Inborn genetic diseases. Identifiers: MedGen C0950123, MeSH D030342.
Immunodeficiency, common variable, 10. Also called: IMMUNODEFICIENCY, COMMON VARIABLE, WITH CENTRAL ADRENAL INSUFFICIENCY; DEFICIT IN ANTERIOR PITUITARY FUNCTION AND VARIABLE IMMUNODEFICIENCY. Identifiers: MedGen C3809991, MONDO:0014260, OMIM 615577.

Allele frequency attached by ClinVar (database versions not stated): gnomAD exomes 0.00001 and 0.00002; ExAC 0.00002; gnomAD 0.00002 and 0.00003; TOPMed 0.00002.
gnomAD v4.1: 16 of 1,613,870 alleles (0.00099%); highest among the groups gnomAD compares: South Asian, 0.011%; no homozygotes.

Submissions (2):

Ambry Genetics
Classification: Uncertain significance for Inborn genetic diseases. Last evaluated: 2024-06-05. Review status: criteria provided, single submitter. Criteria: Ambry Variant Classification Scheme 2023. Collection method: clinical testing. Allele origin: germline.

Labcorp Genetics (formerly Invitae), Labcorp
Classification: Uncertain significance for Immunodeficiency, common variable, 10. Last evaluated: 2022-03-24. Review status: criteria provided, single submitter. Criteria: Invitae Variant Classification Sherloc (09022015). Collection method: clinical testing. Allele origin: germline.
Comment: In summary, the available evidence is currently insufficient to determine the role of this variant in disease. Therefore, it has been classified as a Variant of Uncertain Significance. Algorithms developed to predict the effect of missense changes on protein structure and function are either unavailable or do not agree on the potential impact of this missense change (SIFT: "Deleterious"; PolyPhen-2: "Benign"; Align-GVGD: "Class C0"). This variant has not been reported in the literature in individuals affected with NFKB2-related conditions. This variant is present in population databases (rs755916743, gnomAD 0.02%). This sequence change replaces glutamine, which is neutral and polar, with proline, which is neutral and non-polar, at codon 48 of the NFKB2 protein (p.Gln48Pro).